The following is an entry in ClinVar:

NM_000330.4(RS1):c.421C>A (p.Arg141Ser)

Genes: CDKL5 (cyclin dependent kinase like 5; plus strand), RS1 (retinoschisin 1; minus strand). Cytogenetic location: Xp22.13.
Variant type: single nucleotide variant.
Coding change: c.421C>A on transcript NM_000330.4 (MANE Select); coding-DNA position 421, C replaced by A.
Protein change: p.Arg141Ser; replaces arginine 141 with serine.
Molecular consequence: missense variant. On other transcripts: intron variant (2).
Genome position (GRCh38, 1-based): chrX:18,644,531, G>T on the plus strand (C>A on the coding strand, the complement: RS1 is on the minus strand). VCF-style: chrX-18644531-G-T. GRCh37 (hg19) VCF-style: chrX-18662651-G-T.
Other names: NM_003159.3:c.2714-1476G>T; c.2714-1476G>T (NM_003159.3, NM_001037343.2); short protein forms R141S.
Identifiers: ClinVar variation 4279569 (VCV004279569.1).

ClinVar aggregate classification (germline): Likely pathogenic (3 of 4 stars; one submission).

Conditions:
Juvenile retinoschisis (RS1). Also called: X-linked retinoschisis; X-Linked Juvenile Retinoschisis. Identifiers: Orphanet 792, MedGen C3714753, MONDO:0010725, OMIM 312700.

Submission:

ClinGen X-linked Inherited Retinal Disease Variant Curation Expert Panel, ClinGen
Classification: Likely pathogenic for Juvenile retinoschisis. Last evaluated: 2025-09-22. Review status: reviewed by expert panel. Criteria: ClinGen X LinkedIRD ACMG Specifications RS1 V1.0.0. Collection method: curation. Allele origin: germline. Inheritance: X-linked inheritance.
Comment: NM_000330.4(RS1):c.421C>A (p.Arg141Ser) is a missense variant encoding the substitution of arginine with serine at amino acid 141. Another missense variant in the same codon, NM_000330.4(RS1):c.422G>A (p.Arg141His), (PMID: 29851975, PMID: 34645606, PMID: 30450322, PMID: 29739629, PMID: 35984651, PMID: 30652005, PMID: 19093009, PMID: 30630865, PMID: 30040949, PMID: 17525175, PMID: 30630865, PMID: 30040949) has been classified as pathogenic for X-linked retinoschisis by the ClinGen X-linked IRD VCEP, while no benign missense variants have been identified in this codon. The present variant has a higher Grantham’s distance (110) than the comparison variant (29), and SpliceAI has been used to confirm that neither variant has a predicted impact on RS1 splicing (PM5). This variant is absent from hemizygous individuals in gnomAD v4.1.0 (PM2_Supporting). At least one proband harboring this variant exhibits a phenotype of the appearance of schisis and reduced visual acuity before age 13 years, which together are specific for X-linked retinoschisis (PMID: 29851975, PP4). This variant has been reported in at least 1 proband meeting the PS4 requirement of a male diagnosed with X-linked retinoschisis, as well as a second apparently unrelated proband previously used for the PP4 code (PMID: 34645606, PS4_Supporting). The computational predictor REVEL gives a score of 0.765, which is within the ClinGen X-linked IRD VCEP range between 0.772 to 0.644 and predicts a damaging effect on RS1 function (PP3). The computational splicing predictor SpliceAI gives a delta score of 0.02 for acceptor loss, which is below the ClinGen X linked IRD VCEP threshold of ≥0.2 and does not predict that the variant disrupts RS1 splicing. Carbohydrate-agarose affinity chromatography assays of wild-type and variant RS1 secreted from Weri-Rb1 cells showed reduced binding to galactose-agarose by RS1 harboring the variant relative to the wild-type control (PS3_Supporting, PMID: 18690710). In summary, this variant is classified as likely pathogenic for X-linked retinoschisis based on the ClinGen X-linked Inherited Retinal Disease Expert Panel Specifications to the ACMG/AMP Variant Interpretation Guidelines for RS1 Version 1.0.0: PM2_Supporting, PP3, PS3_Supporting, PP4, PS4_Supporting, and PM5.

Literature cited by the submitters: PubMed 18690710.